The following is an entry in ClinVar:

ClinVar aggregate classification (germline): Likely benign. Review status: criteria provided, multiple submitters, no conflicts (2 of 4 stars). 4 submissions from 4 submitters: Likely benign (2). 2 of the submissions do not count toward it. Last evaluated 2024-01-10.

Conditions:
Combined malonic and methylmalonic acidemia. Identifiers: Orphanet 289504, MedGen C3280314, MONDO:0013661, OMIM 614265.
ACSF3-related disorder. Also called: ACSF3-related condition.

Allele frequency attached by ClinVar (database versions not stated): gnomAD 0.00003; TOPMed 0.00007; 1000 Genomes Project 30x 0.00016; 1000 Genomes Project 0.00020; ESP Exome Variant Server 0.00023.
gnomAD v4.1: 93 of 1,613,636 alleles (0.0058%); highest among the groups gnomAD compares: Non-Finnish European, 0.0073%; no homozygotes.

Submissions (4):

Labcorp Genetics (formerly Invitae), Labcorp
Classification: Likely benign for Combined malonic and methylmalonic acidemia. Last evaluated: 2024-01-10. Review status: criteria provided, single submitter. Criteria: Invitae Variant Classification Sherloc (09022015). Collection method: clinical testing. Allele origin: germline.

Breakthrough Genomics
Classification: Likely benign. Review status: criteria provided, single submitter. Criteria: ACMG Guidelines, 2015. Collection method: not provided. Allele origin: germline. Inheritance: Unknown mechanism. Affected: yes.

PreventionGenetics, part of Exact Sciences
Classification: Likely benign for ACSF3-related condition. Last evaluated: 2024-05-30. Review status: no assertion criteria provided. Collection method: clinical testing. Allele origin: germline. Not counted in ClinVar's aggregate classification.
Comment: This variant is classified as likely benign based on ACMG/AMP sequence variant interpretation guidelines (Richards et al. 2015 PMID: 25741868, with internal and published modifications).

Natera, Inc.
Classification: Likely benign for Combined malonic and methylmalonic aciduria. Last evaluated: 2020-10-30. Review status: no assertion criteria provided. Collection method: clinical testing. Allele origin: germline. Not counted in ClinVar's aggregate classification.

NM_001243279.3(ACSF3):c.1074C>G (p.Thr358=)

Genes: ACSF3 (acyl-CoA synthetase family member 3; plus strand), LOC125177393 (P300/CBP strongly-dependent group 1 enhancer GRCh37_chr16:89180375-89181574; plus strand). Cytogenetic location: 16q24.3.
Variant type: single nucleotide variant.
Coding change: c.1074C>G on transcript NM_001243279.3 (MANE Select); coding-DNA position 1074, C replaced by G.
Protein change: p.Thr358=; no amino-acid change (threonine 358 retained).
Molecular consequence: synonymous variant. On other transcripts: non-coding transcript variant (2).
Genome position (GRCh38, 1-based): chr16:89,114,435, C>G. VCF-style: chr16-89114435-C-G. GRCh37 (hg19) VCF-style: chr16-89180843-C-G.
Other names: c.1074C>G, p.Thr358= (NM_001127214.4, NM_174917.5); c.279C>G, p.Thr93= (NM_001284316.2).
Identifiers: ClinVar variation 760019 (VCV000760019.17), dbSNP rs374451559, ClinGen allele CA8237951.
Genomic context (GRCh38, chr16:89,114,435, plus strand): 5'-AGTGCTGGAGAAGTGGAAGAACATCACGGGCCACACCCTGCTGGAGCGGTATGGCATGAC[C>G]GAGATCGGCATGGCTCTGTCCGGGCCCCTGACCACTGCCGTGCGCCTGCCAGGTACGAGC-3'
Protein context (NP_001230208.1, residues 348-368): GHTLLERYGM[Thr358=]EIGMALSGPL